The following is an entry in ClinVar:

NM_021005.4(NR2F2):c.1013A>G (p.Gln338Arg)

Gene: NR2F2 (nuclear receptor subfamily 2 group F member 2; plus strand). Cytogenetic location: 15q26.2.
Variant type: single nucleotide variant.
Coding change: c.1013A>G on transcript NM_021005.4 (MANE Select); coding-DNA position 1013, A replaced by G.
Protein change: p.Gln338Arg; replaces glutamine 338 with arginine.
Molecular consequence: missense variant.
Genome position (GRCh38, 1-based): chr15:96,337,390, A>G. VCF-style: chr15-96337390-A-G. GRCh37 (hg19) VCF-style: chr15-96880619-A-G.
Other names: c.614A>G, p.Gln205Arg (NM_001145155.2); c.554A>G, p.Gln185Arg (NM_001145156.1, NM_001145157.2); short protein forms Q185R, Q205R, Q338R.
Identifiers: ClinVar variation 3381457 (VCV003381457.2).
Genomic context (GRCh38, chr15:96,337,390, plus strand): 5'-TTTTAAACTTTCTTCCAGATGCCTGTGGTCTCTCTGATGTAGCCCATGTGGAAAGCTTGC[A>G]GGAAAAGTCTCAGTGTGCTTTGGAAGAATACGTTAGGAGCCAGTACCCCAACCAGCCGAC-3'
Protein context (NP_066285.1, residues 328-348): LSDVAHVESL[Gln338Arg]EKSQCALEEY

ClinVar aggregate classification (germline): Uncertain significance (1 of 4 stars; one submission).

Submission:

GeneDx
Classification: Uncertain significance. Last evaluated: 2026-10-09. Review status: criteria provided, single submitter. Criteria: GeneDx Variant Classification Process June 2021. Collection method: clinical testing. Allele origin: germline.
Comment: Not observed at significant frequency in large population cohorts (gnomAD); In silico analysis supports that this missense variant has a deleterious effect on protein structure/function; Has not been previously published as pathogenic or benign to our knowledge